The following is an entry in ClinVar:

ClinVar aggregate classification (germline): Uncertain significance. Review status: criteria provided, multiple submitters, no conflicts (2 of 4 stars). 3 submissions from 3 submitters: Uncertain significance (3). Last evaluated 2025-09-25.

Conditions:
Hereditary cancer-predisposing syndrome. Also called: Neoplastic Syndromes, Hereditary; Tumor predisposition; Hereditary Cancer Syndrome; Hereditary neoplastic syndrome. Identifiers: Orphanet 140162, MedGen C0027672, MeSH D009386, MONDO:0015356.
Renal cell carcinoma. Identifiers: Orphanet 217071, MedGen C0007134, MeSH D002292, MONDO:0005086, HP:0005584.

Submissions (3):

Ambry Genetics
Classification: Uncertain significance for Hereditary cancer-predisposing syndrome. Last evaluated: 2025-09-25. Review status: criteria provided, single submitter. Criteria: Ambry Variant Classification Scheme 2023. Collection method: clinical testing. Allele origin: germline.
Comment: The p.H855Y variant (also known as c.2563C>T), located in coding exon 10 of the MET gene, results from a C to T substitution at nucleotide position 2563. The histidine at codon 855 is replaced by tyrosine, an amino acid with similar properties. This amino acid position is not well conserved in available vertebrate species. In addition, this alteration is predicted to be tolerated by in silico analysis. Based on the available evidence, the clinical significance of this variant remains unclear.

Labcorp Genetics (formerly Invitae), Labcorp
Classification: Uncertain significance for Renal cell carcinoma. Last evaluated: 2023-11-03. Review status: criteria provided, single submitter. Criteria: Invitae Variant Classification Sherloc (09022015). Collection method: clinical testing. Allele origin: germline.
Comment: This sequence change replaces histidine, which is basic and polar, with tyrosine, which is neutral and polar, at codon 855 of the MET protein (p.His855Tyr). This variant is not present in population databases (gnomAD no frequency). This variant has not been reported in the literature in individuals affected with MET-related conditions. ClinVar contains an entry for this variant (Variation ID: 821490). An algorithm developed to predict the effect of missense changes on protein structure and function (PolyPhen-2) suggests that this variant is likely to be disruptive. In summary, the available evidence is currently insufficient to determine the role of this variant in disease. Therefore, it has been classified as a Variant of Uncertain Significance.

GeneDx
Classification: Uncertain significance. Last evaluated: 2023-05-09. Review status: criteria provided, single submitter. Criteria: GeneDx Variant Classification Process June 2021. Collection method: clinical testing. Allele origin: germline. Affected: yes.
Comment: Not observed at significant frequency in large population cohorts (gnomAD); In silico analysis supports that this missense variant does not alter protein structure/function; Has not been previously published as pathogenic or benign to our knowledge

NM_000245.4(MET):c.2509C>T (p.His837Tyr)

Gene: MET (MET proto-oncogene, receptor tyrosine kinase; plus strand). Cytogenetic location: 7q31.2.
Variant type: single nucleotide variant.
Coding change: c.2509C>T on transcript NM_000245.4 (MANE Select); coding-DNA position 2509, C replaced by T.
Protein change: p.His837Tyr; replaces histidine 837 with tyrosine.
Molecular consequence: missense variant.
Genome position (GRCh38, 1-based): chr7:116,763,194, C>T. VCF-style: chr7-116763194-C-T. GRCh37 (hg19) VCF-style: chr7-116403248-C-T.
Other names: c.2563C>T, p.His855Tyr (NM_001127500.3); c.2509C>T, p.His837Tyr (NM_001324401.3); c.1219C>T, p.His407Tyr (NM_001324402.2); short protein forms H407Y, H837Y, H855Y.
Identifiers: ClinVar variation 821490 (VCV000821490.12), dbSNP rs1584947043, ClinGen allele CA368983470.
Genomic context (GRCh38, chr7:116,763,194, plus strand): 5'-ACCAAAGCCTTTTTCATGTTAGATGGGATCCTTTCCAAATACTTTGATCTCATTTATGTA[C>T]ATAATCCTGTGTTTAAGCCTTTTGAAAAGCCAGTGATGATCTCAATGGGCAATGAAAATG-3'
Protein context (NP_000236.2, residues 827-847): LSKYFDLIYV[His837Tyr]NPVFKPFEKP